The following is an entry in ClinVar:

NM_001267550.2(TTN):c.57601T>G (p.Cys19201Gly)

Genes: TTN (titin; minus strand), TTN-AS1 (TTN antisense RNA 1; plus strand). Cytogenetic location: 2q31.2.
Variant type: single nucleotide variant.
Coding change: c.57601T>G on transcript NM_001267550.2 (MANE Select); coding-DNA position 57601, T replaced by G.
Protein change: p.Cys19201Gly; replaces cysteine 19201 with glycine.
Molecular consequence: missense variant.
Genome position (GRCh38, 1-based): chr2:178,595,753, A>C on the plus strand (T>G on the coding strand, the complement: TTN is on the minus strand). VCF-style: chr2-178595753-A-C. GRCh37 (hg19) VCF-style: chr2-179460480-A-C.
Other names: c.52678T>G, p.Cys17560Gly (NM_001256850.1); c.30406T>G, p.Cys10136Gly (NM_003319.4); c.49897T>G, p.Cys16633Gly (NM_133378.4); c.30781T>G, p.Cys10261Gly (NM_133432.3); c.30982T>G, p.Cys10328Gly (NM_133437.4); short protein forms C10136G, C10261G, C10328G, C16633G, C17560G, C19201G.
Identifiers: ClinVar variation 4682278 (VCV004682278.2).

ClinVar aggregate classification (germline): Uncertain significance. Review status: criteria provided, multiple submitters, no conflicts (2 of 4 stars). 2 submissions from 2 submitters: Uncertain significance (2). Last evaluated 2026-05-24.

Conditions:
TTN-related disorder. Also called: TTN-related condition; TTN-related disease; TTN-related disorders.

gnomAD v4.1: 8 of 1,609,096 alleles (0.0005%); highest among the groups gnomAD compares: Admixed American, 0.013%; no homozygotes.

Submissions (2):

PreventionGenetics, part of Exact Sciences
Classification: Uncertain significance for TTN-related condition. Last evaluated: 2026-05-24. Review status: criteria provided, single submitter. Criteria: ACMG Guidelines, 2015. Collection method: clinical testing. Allele origin: germline.
Comment: The TTN c.57601T>G variant is predicted to result in the amino acid substitution p.Cys19201Gly. To our knowledge, this variant has not been reported in the literature. This variant is reported in 0.021% of alleles in individuals of Latino descent in gnomAD. At this time, the clinical significance of this variant is uncertain due to the absence of conclusive functional and genetic evidence.

Athena Diagnostics
Classification: Uncertain significance. Last evaluated: 2025-07-08. Review status: criteria provided, single submitter. Criteria: Athena Diagnostics Criteria. Collection method: clinical testing. Allele origin: unknown.
Comment: Available data are insufficient to determine the clinical significance of the variant at this time. The frequency of this variant in the general population is uninformative in assessment of its pathogenicity. Polyphen and MutationTaster yielded discordant predictions regarding whether this amino acid change is damaging to the protein.